The following is an entry in ClinVar:

ClinVar aggregate classification (germline): Uncertain significance (1 of 4 stars; one submission).

Conditions:
Hyper-IgM syndrome type 5 (HIGM5). Also called: Hyper-IgM Immunodeficiency Syndrome, Type 5. Identifiers: Orphanet 101092, MedGen C1720958, MONDO:0011971, OMIM 608106.

Allele frequency attached by ClinVar (database versions not stated): gnomAD exomes below 0.00001.
gnomAD v4.1: 2 of 1,613,428 alleles (0.00012%); highest among the groups gnomAD compares: Non-Finnish European, 0.00017%; no homozygotes.

Submission:

Labcorp Genetics (formerly Invitae), Labcorp
Classification: Uncertain significance for Hyper-IgM syndrome type 5. Last evaluated: 2019-08-19. Review status: criteria provided, single submitter. Criteria: Invitae Variant Classification Sherloc (09022015). Collection method: clinical testing. Allele origin: germline.
Comment: This sequence change replaces phenylalanine with leucine at codon 106 of the UNG protein (p.Phe106Leu). The phenylalanine residue is highly conserved and there is a small physicochemical difference between phenylalanine and leucine. This variant is not present in population databases (ExAC no frequency). This variant has not been reported in the literature in individuals with UNG-related conditions. Algorithms developed to predict the effect of missense changes on protein structure and function are either unavailable or do not agree on the potential impact of this missense change (SIFT: "Deleterious"; PolyPhen-2: "Benign"; Align-GVGD: "Class C15"). In summary, the available evidence is currently insufficient to determine the role of this variant in disease. Therefore, it has been classified as a Variant of Uncertain Significance.

NM_080911.3(UNG):c.318C>A (p.Phe106Leu)

Gene: UNG (uracil DNA glycosylase; plus strand). Cytogenetic location: 12q24.11.
Variant type: single nucleotide variant.
Coding change: c.318C>A on transcript NM_080911.3 (MANE Select); coding-DNA position 318, C replaced by A.
Protein change: p.Phe106Leu; replaces phenylalanine 106 with leucine.
Molecular consequence: missense variant.
Genome position (GRCh38, 1-based): chr12:109,098,617, C>A. VCF-style: chr12-109098617-C-A. GRCh37 (hg19) VCF-style: chr12-109536422-C-A.
Other names: c.291C>A, p.Phe97Leu (NM_003362.4); short protein forms F106L, F97L.
Identifiers: ClinVar variation 945613 (VCV000945613.9), dbSNP rs2042152878, ClinGen allele CA386470179.